The following is an entry in ClinVar:

NM_002454.3(MTRR):c.1642G>A (p.Gly548Ser)

Gene: MTRR (5-methyltetrahydrofolate-homocysteine methyltransferase reductase; plus strand). Cytogenetic location: 5p15.31.
Variant type: single nucleotide variant.
Coding change: c.1642G>A on transcript NM_002454.3 (MANE Select); coding-DNA position 1642, G replaced by A.
Protein change: p.Gly548Ser; replaces glycine 548 with serine.
Molecular consequence: missense variant. On other transcripts: non-coding transcript variant (14).
Genome position (GRCh38, 1-based): chr5:7,895,818, G>A. VCF-style: chr5-7895818-G-A. GRCh37 (hg19) VCF-style: chr5-7895931-G-A.
Other names: c.1642G>A, p.Gly548Ser (NM_001364440.2, NM_001364441.2, NM_001364442.2 and 1 more transcripts); short protein forms G548S.
Identifiers: ClinVar variation 1033921 (VCV001033921.1), dbSNP rs1738413262, ClinGen allele CA359159343.

ClinVar aggregate classification (germline): Uncertain significance (1 of 4 stars; one submission).

Conditions:
Methylcobalamin deficiency type cblE (HMAE). Also called: HOMOCYSTINURIA-MEGALOBLASTIC ANEMIA, cblE COMPLEMENTATION TYPE; HOMOCYSTINURIA-MEGALOBLASTIC ANEMIA, cblE TYPE; VITAMIN B12-RESPONSIVE HOMOCYSTINURIA, cblE TYPE. Identifiers: Orphanet 2169, Orphanet 622, MedGen C1856057, MONDO:0009354, OMIM 236270.

Allele frequency attached by ClinVar (database versions not stated): gnomAD exomes below 0.00001; TOPMed below 0.00001.
gnomAD v4.1: 8 of 1,614,068 alleles (0.0005%); highest among the groups gnomAD compares: South Asian, 0.0022%; no homozygotes.

Submission:

Baylor Genetics
Classification: Uncertain significance for Methylcobalamin deficiency type cblE. Last evaluated: 2018-05-09. Review status: criteria provided, single submitter. Criteria: ACMG Guidelines, 2015. Collection method: clinical testing. Allele origin: maternal. Affected: yes.
Comment: This variant was determined to be of uncertain significance according to ACMG Guidelines, 2015 [PMID:25741868].